The following is an entry in ClinVar:

ClinVar aggregate classification (germline): Uncertain significance (1 of 4 stars; one submission).

Submission:

Labcorp Genetics (formerly Invitae), Labcorp
Classification: Uncertain significance. Last evaluated: 2023-01-30. Review status: criteria provided, single submitter. Criteria: Invitae Variant Classification Sherloc (09022015). Collection method: clinical testing. Allele origin: germline.
Comment: This sequence change falls in intron 11 of the ATP6V1A gene. It does not directly change the encoded amino acid sequence of the ATP6V1A protein. It affects a nucleotide within the consensus splice site. This variant is not present in population databases (gnomAD no frequency). This variant has not been reported in the literature in individuals affected with ATP6V1A-related conditions. Variants that disrupt the consensus splice site are a relatively common cause of aberrant splicing (PMID: 17576681, 9536098). Algorithms developed to predict the effect of sequence changes on RNA splicing suggest that this variant is not likely to affect RNA splicing. In summary, the available evidence is currently insufficient to determine the role of this variant in disease. Therefore, it has been classified as a Variant of Uncertain Significance.

Literature cited by the submitters: PubMed 17576681; PubMed 9536098.

NM_001690.4(ATP6V1A):c.1290+6T>C

Gene: ATP6V1A (ATPase H+ transporting V1 subunit A; plus strand). Cytogenetic location: 3q13.31.
Variant type: single nucleotide variant.
Coding change: c.1290+6T>C on transcript NM_001690.4 (MANE Select); 6 bases into the intron after coding-DNA position 1290, T replaced by C.
Molecular consequence: intron variant.
Genome position (GRCh38, 1-based): chr3:113,795,945, T>C. VCF-style: chr3-113795945-T-C. GRCh37 (hg19) VCF-style: chr3-113514792-T-C.
Identifiers: ClinVar variation 2832930 (VCV002832930.3), dbSNP rs2549724305, ClinGen allele CA2739279867.